The following is an entry in ClinVar:

ClinVar aggregate classification (germline): Uncertain significance (1 of 4 stars; one submission).

Conditions:
Hereditary cancer-predisposing syndrome. Also called: Tumor predisposition; Hereditary Cancer Syndrome; Neoplastic Syndromes, Hereditary; Hereditary neoplastic syndrome. Identifiers: Orphanet 140162, MedGen C0027672, MeSH D009386, MONDO:0015356.

Submission:

Ambry Genetics
Classification: Uncertain significance for Hereditary cancer-predisposing syndrome. Last evaluated: 2022-09-11. Review status: criteria provided, single submitter. Criteria: Ambry Variant Classification Scheme 2023. Collection method: clinical testing. Allele origin: germline.
Comment: The p.K853Q variant (also known as c.2557A>C), located in coding exon 4 of the MSH6 gene, results from an A to C substitution at nucleotide position 2557. The lysine at codon 853 is replaced by glutamine, an amino acid with similar properties. This amino acid position is not well conserved in available vertebrate species. In addition, the in silico prediction for this alteration is inconclusive. Since supporting evidence is limited at this time, the clinical significance of this alteration remains unclear.

NM_000179.3(MSH6):c.2557A>C (p.Lys853Gln)

Gene: MSH6 (mutS homolog 6; plus strand). Cytogenetic location: 2p16.3.
Variant type: single nucleotide variant.
Coding change: c.2557A>C on transcript NM_000179.3 (MANE Select); coding-DNA position 2557, A replaced by C.
Protein change: p.Lys853Gln; replaces lysine 853 with glutamine.
Molecular consequence: missense variant.
Genome position (GRCh38, 1-based): chr2:47,800,540, A>C. VCF-style: chr2-47800540-A-C. GRCh37 (hg19) VCF-style: chr2-48027679-A-C.
Other names: c.2389A>C, p.Lys797Gln (NM_001406826.1); c.2260A>C, p.Lys754Gln (NM_001406827.1, NM_001406828.1, NM_001406830.1 and 10 more transcripts); c.1651A>C, p.Lys551Gln (NM_001406829.1, NM_001281493.2, NM_001281494.2 and 6 more transcripts); c.2167A>C, p.Lys723Gln (NM_001281492.2); c.2653A>C, p.Lys885Gln (NM_001406795.1, NM_001406802.1); c.2557A>C, p.Lys853Gln (NM_001406796.1, NM_001406798.1, NM_001406800.1 and 2 more transcripts); c.2032A>C, p.Lys678Gln (NM_001406799.1, NM_001406806.1, NM_001406807.1); c.2479A>C, p.Lys827Gln (NM_001406804.1); and 1 more; short protein forms K551Q, K723Q, K885Q, K678Q, K827Q, K853Q, K855Q, K754Q.
Identifiers: ClinVar variation 1793023 (VCV001793023.2), dbSNP rs1669479857, ClinGen allele CA346754624.
Genomic context (GRCh38, chr2:47,800,540, plus strand): 5'-AAGAGTCAGAACCACCCAGACAGCAGGGCTATAATGTATGAAGAAACTACATACAGCAAG[A>C]AGAAGATTATTGATTTTCTTTCTGCTCTGGAAGGATTCAAAGTAATGTGTAAAATTATAG-3'
Protein context (NP_000170.1, residues 843-863): IMYEETTYSK[Lys853Gln]KIIDFLSALE